The following is an entry in ClinVar:

ClinVar aggregate classification (germline): Conflicting classifications of pathogenicity. Review status: criteria provided, conflicting classifications (1 of 4 stars). 2 submissions from 2 submitters: Uncertain significance (1); Likely benign (1). Last evaluated 2025-12-27.

Allele frequency attached by ClinVar (database versions not stated): gnomAD exomes 0.00003 and 0.00010; ExAC 0.00011; 1000 Genomes Project 0.00020; 1000 Genomes Project 30x 0.00031; ESP Exome Variant Server 0.00031; TOPMed 0.00040; gnomAD 0.00044 and 0.00048.
gnomAD v4.1: 126 of 1,593,180 alleles (0.0079%); highest among the groups gnomAD compares: African/African-American, 0.14%; no homozygotes.

Submissions (2):

Labcorp Genetics (formerly Invitae), Labcorp
Classification: Uncertain significance. Last evaluated: 2025-12-27. Review status: criteria provided, single submitter. Criteria: Invitae Variant Classification Sherloc (09022015). Collection method: clinical testing. Allele origin: germline.
Comment: This sequence change falls in intron 1 of the UQCC2 gene. It does not directly change the encoded amino acid sequence of the UQCC2 protein. It affects a nucleotide within the consensus splice site. This variant is present in population databases (rs376993977, gnomAD 0.1%), and has an allele count higher than expected for a pathogenic variant. This variant has not been reported in the literature in individuals affected with UQCC2-related conditions. ClinVar contains an entry for this variant (Variation ID: 507445). Variants that disrupt the consensus splice site are a relatively common cause of aberrant splicing (PMID: 17576681, 9536098). Algorithms developed to predict the effect of sequence changes on RNA splicing suggest that this variant is not likely to affect RNA splicing. In summary, the available evidence is currently insufficient to determine the role of this variant in disease. Therefore, it has been classified as a Variant of Uncertain Significance.

GeneDx
Classification: Likely benign. Last evaluated: 2019-03-14. Review status: criteria provided, single submitter. Criteria: GeneDx Variant Classification Process June 2021. Collection method: clinical testing. Allele origin: germline. Affected: yes.

Literature cited by the submitters: PubMed 17576681 (cited by Labcorp Genetics (formerly Invitae), Labcorp); PubMed 9536098 (cited by Labcorp Genetics (formerly Invitae), Labcorp).

NM_032340.4(UQCC2):c.138+6C>T

Gene: UQCC2 (ubiquinol-cytochrome c reductase complex assembly factor 2; minus strand). Cytogenetic location: 6p21.31.
Variant type: single nucleotide variant.
Coding change: c.138+6C>T on transcript NM_032340.4 (MANE Select); 6 bases into the intron after coding-DNA position 138, C replaced by T.
Molecular consequence: intron variant.
Genome position (GRCh38, 1-based): chr6:33,711,543, G>A on the plus strand (C>T on the coding strand, the complement: UQCC2 is on the minus strand). VCF-style: chr6-33711543-G-A. GRCh37 (hg19) VCF-style: chr6-33679320-G-A.
Identifiers: ClinVar variation 507445 (VCV000507445.9), dbSNP rs376993977, ClinGen allele CA3762537.